The following is an entry in ClinVar:

ClinVar aggregate classification (germline): Likely pathogenic (1 of 4 stars; one submission).

Conditions:
Rare genetic deafness. Identifiers: Orphanet 96210, MedGen C5680250.

Allele frequency attached by ClinVar (database versions not stated): gnomAD exomes below 0.00001 and 0.00001.
gnomAD v4.1: 3 of 1,550,348 alleles (0.00019%); highest among the groups gnomAD compares: Non-Finnish European, 0.00026%; no homozygotes.

Submission:

Laboratory for Molecular Medicine, Mass General Brigham Personalized Medicine
Classification: Likely pathogenic for Rare genetic deafness. Last evaluated: 2017-05-16. Review status: criteria provided, single submitter. Criteria: LMM Criteria. Collection method: clinical testing. Allele origin: germline. Inheritance: Autosomal recessive inheritance. Observed: 1 variant allele.
Comment: The p.Trp2197X variant in OTOG has not been previously reported in individuals w ith hearing loss, but has been identified in 1/51754 European chromosomes by the Genome Aggregation Database (gnomAD). Althou gh this variant has been seen in the general population, its frequency is low en ough to be consistent with a recessive carrier frequency. This nonsense variant leads to a premature termination codon at position 2197, which is predicted to l ead to a truncated or absent protein. Two loss of function variants in the OTOG gene have been reported to segregate with hearing loss in two families (Schrader s 2012), and disruption of OTOG in mice resulted in deafness supporting a loss-o f-function mechanism for the disease (Simmler 2000). In summary, although additi onal evidence is required to strengthen the gene-disease association for OTOG an d hearing loss, the current data support that the p.Trp2197X variant is likely p athogenic.

NM_001292063.2(OTOG):c.6555G>A (p.Trp2185Ter)

Gene: OTOG (otogelin; plus strand). Cytogenetic location: 11p15.1.
Variant type: single nucleotide variant.
Coding change: c.6555G>A on transcript NM_001292063.2 (MANE Select); coding-DNA position 6555, G replaced by A.
Protein change: p.Trp2185Ter; replaces tryptophan 2185 with a stop codon.
Molecular consequence: nonsense.
Genome position (GRCh38, 1-based): chr11:17,629,159, G>A. VCF-style: chr11-17629159-G-A. GRCh37 (hg19) VCF-style: chr11-17650706-G-A.
Other names: c.6591G>A, p.Trp2197Ter (NM_001277269.2); short protein forms W2197*, W2185*.
Identifiers: ClinVar variation 517387 (VCV000517387.5), dbSNP rs1193023501, ClinGen allele CA379807735.
Genomic context (GRCh38, chr11:17,629,159, plus strand): 5'-GACAAGCTGTGCTCACACTGAATTCCCTCCCAAGGTGACTGTGGACTTGCAGCCTGTGTG[G>A]CCACCGGTGAGCAGGTATGGATTCAGAATTGAGGACACAGGCCACATGTACATGATCCTG-3'